The following is an entry in ClinVar:

NM_025233.7(COASY):c.1393C>T (p.Arg465Cys)

Gene: COASY (Coenzyme A synthase; plus strand). Cytogenetic location: 17q21.2.
Variant type: single nucleotide variant.
Coding change: c.1393C>T on transcript NM_025233.7 (MANE Select); coding-DNA position 1393, C replaced by T.
Protein change: p.Arg465Cys; replaces arginine 465 with cysteine.
Molecular consequence: missense variant.
Genome position (GRCh38, 1-based): chr17:42,565,476, C>T. VCF-style: chr17-42565476-C-T. GRCh37 (hg19) VCF-style: chr17-40717494-C-T.
Other names: c.1393C>T, p.Arg465Cys (NM_001042529.3); c.1480C>T, p.Arg494Cys (NM_001042532.4); c.1480C>T (NM_001042532.2); short protein forms R465C, R494C.
Identifiers: ClinVar variation 474859 (VCV000474859.9), dbSNP rs146857074, ClinGen allele CA8578325.

ClinVar aggregate classification (germline): Uncertain significance. Review status: criteria provided, multiple submitters, no conflicts (2 of 4 stars). 2 submissions from 2 submitters: Uncertain significance (2). Last evaluated 2022-09-01.

Conditions:
Neurodegeneration with brain iron accumulation 6 (NBIA6). Also called: COASY protein-associated neurodegeneration. Identifiers: Orphanet 397725, MedGen C4517377, MONDO:0014290, OMIM 615643.

Allele frequency attached by ClinVar (database versions not stated): gnomAD 0.00002; gnomAD exomes 0.00003; ExAC 0.00006; ESP Exome Variant Server 0.00008; 1000 Genomes Project 0.00020.
gnomAD v4.1: 19 of 1,613,640 alleles (0.0012%); highest among the groups gnomAD compares: South Asian, 0.0066%; no homozygotes.

Submissions (2):

Labcorp Genetics (formerly Invitae), Labcorp
Classification: Uncertain significance for Neurodegeneration with brain iron accumulation 6. Last evaluated: 2022-09-01. Review status: criteria provided, single submitter. Criteria: Invitae Variant Classification Sherloc (09022015). Collection method: clinical testing. Allele origin: germline.
Comment: Algorithms developed to predict the effect of sequence changes on RNA splicing suggest that this variant may create or strengthen a splice site. In summary, the available evidence is currently insufficient to determine the role of this variant in disease. Therefore, it has been classified as a Variant of Uncertain Significance. Algorithms developed to predict the effect of missense changes on protein structure and function are either unavailable or do not agree on the potential impact of this missense change (SIFT: "Deleterious"; PolyPhen-2: "Possibly Damaging"; Align-GVGD: "Class C0"). ClinVar contains an entry for this variant (Variation ID: 474859). This variant has not been reported in the literature in individuals affected with COASY-related conditions. This variant is present in population databases (rs146857074, gnomAD 0.02%). This sequence change replaces arginine, which is basic and polar, with cysteine, which is neutral and slightly polar, at codon 465 of the COASY protein (p.Arg465Cys).

Ambry Genetics
Classification: Uncertain significance. Last evaluated: 2021-06-05. Review status: criteria provided, single submitter. Criteria: Ambry Variant Classification Scheme 2023. Collection method: clinical testing. Allele origin: germline.